The following is an entry in ClinVar:

ClinVar aggregate classification (germline): Uncertain significance (1 of 4 stars; one submission).

Submission:

Labcorp Genetics (formerly Invitae), Labcorp
Classification: Uncertain significance. Last evaluated: 2025-03-13. Review status: criteria provided, single submitter. Criteria: Invitae Variant Classification Sherloc (09022015). Collection method: clinical testing. Allele origin: germline.
Comment: This sequence change replaces leucine, which is neutral and non-polar, with valine, which is neutral and non-polar, at codon 428 of the CUL7 protein (p.Leu428Val). This variant is present in population databases (rs375557528, gnomAD 0.008%). This variant has not been reported in the literature in individuals affected with CUL7-related conditions. An algorithm developed to predict the effect of missense changes on protein structure and function outputs the following: PolyPhen-2: "Probably Damaging". The valine amino acid residue is found in multiple mammalian species, which suggests that this missense change does not adversely affect protein function. In summary, the available evidence is currently insufficient to determine the role of this variant in disease. Therefore, it has been classified as a Variant of Uncertain Significance.

NM_014780.5(CUL7):c.1282C>G (p.Leu428Val)

Gene: CUL7 (cullin 7; minus strand). Cytogenetic location: 6p21.1.
Variant type: single nucleotide variant.
Coding change: c.1282C>G on transcript NM_014780.5 (MANE Select); coding-DNA position 1282, C replaced by G.
Protein change: p.Leu428Val; replaces leucine 428 with valine.
Molecular consequence: missense variant.
Genome position (GRCh38, 1-based): chr6:43,050,350, G>C on the plus strand (C>G on the coding strand, the complement: CUL7 is on the minus strand). VCF-style: chr6-43050350-G-C. GRCh37 (hg19) VCF-style: chr6-43018088-G-C.
Other names: c.1378C>G, p.Leu460Val (NM_001168370.2, NM_001374872.1); c.1282C>G, p.Leu428Val (NM_001374873.1, NM_001374874.1); short protein forms L428V, L460V.
Identifiers: ClinVar variation 3718807 (VCV003718807.2).
Genomic context (GRCh38, chr6:43,050,350, plus strand): 5'-CTTGGTACTCATCAGCCTCAACCATGTCCTCAATGTCTTCCTCAAAGCCCAAGATCTCCA[G>C]CATGTGCCAGTGCACCCAATAGGTGCGGCCTGTTGACTCCCAAAATACCTGGAGCATAGG-3'
Protein context (NP_055595.2, residues 418-438): GRTYWVHWHM[Leu428Val]EILGFEEDIE